The following is an entry in ClinVar:

ClinVar aggregate classification (germline): Uncertain significance. Review status: criteria provided, multiple submitters, no conflicts (2 of 4 stars). 2 submissions from 2 submitters: Uncertain significance (2). Last evaluated 2025-01-19.

Conditions:
Inborn genetic diseases. Identifiers: MedGen C0950123, MeSH D030342.
Autosomal recessive severe congenital neutropenia due to G6PC3 deficiency. Also called: G6PC3 Deficiency; NEUTROPENIA, SEVERE CONGENITAL, 4, AUTOSOMAL RECESSIVE. Identifiers: Orphanet 331176, MedGen C2751630, MONDO:0012930, OMIM 612541.

Allele frequency attached by ClinVar (database versions not stated): gnomAD exomes 0.00001 and 0.00002; ExAC 0.00004; TOPMed 0.00001.
gnomAD v4.1: 13 of 1,611,562 alleles (0.00081%); highest among the groups gnomAD compares: South Asian, 0.0033%; no homozygotes.

Submissions (2):

Ambry Genetics
Classification: Uncertain significance for Inborn genetic diseases. Last evaluated: 2025-01-19. Review status: criteria provided, single submitter. Criteria: Ambry Variant Classification Scheme 2023. Collection method: clinical testing. Allele origin: germline.
Comment: The p.R275Q variant (also known as c.824G>A), located in coding exon 6 of the G6PC3 gene, results from a G to A substitution at nucleotide position 824. The arginine at codon 275 is replaced by glutamine, an amino acid with highly similar properties. This amino acid position is conserved. In addition, the in silico prediction for this alteration is inconclusive. Based on the available evidence, the clinical significance of this variant remains unclear.

Labcorp Genetics (formerly Invitae), Labcorp
Classification: Uncertain significance for Autosomal recessive severe congenital neutropenia due to G6PC3 deficiency. Last evaluated: 2024-04-24. Review status: criteria provided, single submitter. Criteria: Invitae Variant Classification Sherloc (09022015). Collection method: clinical testing. Allele origin: germline.
Comment: This sequence change replaces arginine, which is basic and polar, with glutamine, which is neutral and polar, at codon 275 of the G6PC3 protein (p.Arg275Gln). This variant is present in population databases (rs765872526, gnomAD 0.004%). This variant has not been reported in the literature in individuals affected with G6PC3-related conditions. ClinVar contains an entry for this variant (Variation ID: 850327). Advanced modeling of protein sequence and biophysical properties (such as structural, functional, and spatial information, amino acid conservation, physicochemical variation, residue mobility, and thermodynamic stability) performed at Invitae indicates that this missense variant is not expected to disrupt G6PC3 protein function with a negative predictive value of 80%. In summary, the available evidence is currently insufficient to determine the role of this variant in disease. Therefore, it has been classified as a Variant of Uncertain Significance.

NM_138387.4(G6PC3):c.824G>A (p.Arg275Gln)

Gene: G6PC3 (glucose-6-phosphatase catalytic subunit 3; plus strand). Cytogenetic location: 17q21.31.
Variant type: single nucleotide variant.
Coding change: c.824G>A on transcript NM_138387.4 (MANE Select); coding-DNA position 824, G replaced by A.
Protein change: p.Arg275Gln; replaces arginine 275 with glutamine.
Molecular consequence: missense variant. On other transcripts: 3 prime UTR variant (1).
Genome position (GRCh38, 1-based): chr17:44,075,826, G>A. VCF-style: chr17-44075826-G-A. GRCh37 (hg19) VCF-style: chr17-42153194-G-A.
Other names: c.*117G>A (NM_001319945.2); c.479G>A, p.Arg160Gln (NM_001384165.1, NM_001384166.1, NM_001384167.1 and 1 more transcripts); short protein forms R275Q, R160Q.
Identifiers: ClinVar variation 850327 (VCV000850327.9), dbSNP rs765872526, ClinGen allele CA8596158.